The following is an entry in ClinVar:

ClinVar aggregate classification (germline): Uncertain significance (1 of 4 stars; one submission).

Conditions:
Left ventricular noncompaction 8 (LVNC8). Identifiers: Orphanet 154, Orphanet 54260, MedGen C3809288, MONDO:0014152, OMIM 615373.

gnomAD v4.1: 2 of 1,607,890 alleles (0.00012%); highest among the groups gnomAD compares: African/African-American, 0.0013%; no homozygotes.

Submission:

Labcorp Genetics (formerly Invitae), Labcorp
Classification: Uncertain significance for Left ventricular noncompaction 8. Last evaluated: 2024-03-06. Review status: criteria provided, single submitter. Criteria: Invitae Variant Classification Sherloc (09022015). Collection method: clinical testing. Allele origin: germline.
Comment: This sequence change replaces valine, which is neutral and non-polar, with methionine, which is neutral and non-polar, at codon 208 of the PRDM16 protein (p.Val208Met). This variant is not present in population databases (gnomAD no frequency). This variant has not been reported in the literature in individuals affected with PRDM16-related conditions. An algorithm developed to predict the effect of missense changes on protein structure and function (PolyPhen-2) suggests that this variant is likely to be disruptive. In summary, the available evidence is currently insufficient to determine the role of this variant in disease. Therefore, it has been classified as a Variant of Uncertain Significance.

NM_022114.4(PRDM16):c.622G>A (p.Val208Met)

Gene: PRDM16 (PR/SET domain 16; plus strand). Cytogenetic location: 1p36.32.
Variant type: single nucleotide variant.
Coding change: c.622G>A on transcript NM_022114.4 (MANE Select); coding-DNA position 622, G replaced by A.
Protein change: p.Val208Met; replaces valine 208 with methionine.
Molecular consequence: missense variant.
Genome position (GRCh38, 1-based): chr1:3,396,539, G>A. VCF-style: chr1-3396539-G-A. GRCh37 (hg19) VCF-style: chr1-3313103-G-A.
Other names: c.622G>A, p.Val208Met (NM_199454.3); short protein forms V208M.
Identifiers: ClinVar variation 3603399 (VCV003603399.2).